The following is an entry in ClinVar:

ClinVar aggregate classification (germline): Likely benign (1 of 4 stars; one submission).

gnomAD v4.1: 6 of 1,483,156 alleles (0.0004%); highest among the groups gnomAD compares: Admixed American, 0.0079%; no homozygotes.

Submission:

CeGaT Center for Human Genetics Tuebingen
Classification: Likely benign. Last evaluated: 2026-08-01. Review status: criteria provided, single submitter. Criteria: CeGaT Center For Human Genetics Tuebingen Variant Classification Criteria Version 2. Collection method: clinical testing. Allele origin: germline. Affected: yes. Observed: 1 variant allele.
Comment: TSC2: BP4, BP7

NM_000548.5(TSC2):c.336+66G>C

Gene: TSC2 (TSC complex subunit 2; plus strand). Cytogenetic location: 16p13.3.
Variant type: single nucleotide variant.
Coding change: c.336+66G>C on transcript NM_000548.5 (MANE Select); 66 bases into the intron after coding-DNA position 336, G replaced by C.
Molecular consequence: intron variant. On other transcripts: synonymous variant (3), 5 prime UTR variant (1).
Genome position (GRCh38, 1-based): chr16:2,053,518, G>C. VCF-style: chr16-2053518-G-C. GRCh37 (hg19) VCF-style: chr16-2103519-G-C.
Other names: c.402G>C, p.Leu134= (NM_001406667.1, NM_001406668.1); c.255G>C, p.Leu85= (NM_001406677.1); c.-1336G>C (NM_001406693.1); c.-481+66G>C (NM_001406680.1, NM_001406683.1, NM_001406687.1); c.-1096+66G>C (NM_001406689.1, NM_001406690.1, NM_001406692.1 and 2 more transcripts); c.-1272+66G>C (NM_001406698.1); c.336+66G>C (NM_001114382.3, NM_001406663.1, NM_001406664.1 and 8 more transcripts); c.-977+66G>C (NM_001406694.1, NM_001406695.1); and 6 more.
Identifiers: ClinVar variation 5039019 (VCV005039019.1).
Genomic context (GRCh38, chr16:2,053,518, plus strand): 5'-GCCCAGGGCGACGCTGGGATGGGTGACGTCAGGCTGCCCACTGACTGTCCTGTCCCTGCT[G>C]GGCCGTGTTTGGACTCCTGCCTCGGTGAGTTGCTGGGCACAGGGTCTAGGGGCTGATGGG-3'